The following is an entry in ClinVar:

NM_003632.3(CNTNAP1):c.2515C>T (p.Arg839Trp)

Gene: CNTNAP1 (contactin associated protein 1; plus strand). Cytogenetic location: 17q21.2.
Variant type: single nucleotide variant.
Coding change: c.2515C>T on transcript NM_003632.3 (MANE Select); coding-DNA position 2515, C replaced by T.
Protein change: p.Arg839Trp; replaces arginine 839 with tryptophan.
Molecular consequence: missense variant.
Genome position (GRCh38, 1-based): chr17:42,691,976, C>T. VCF-style: chr17-42691976-C-T. GRCh37 (hg19) VCF-style: chr17-40843994-C-T.
Other names: p.Arg839Trp; c.2515C>T (NM_003632.2); short protein forms R839W.
Identifiers: ClinVar variation 1252013 (VCV001252013.3), dbSNP rs757375034, ClinGen allele CA8582068.

ClinVar aggregate classification (germline): Uncertain significance. Review status: criteria provided, multiple submitters, no conflicts (2 of 4 stars). 3 submissions from 3 submitters: Uncertain significance (2). 1 of the submissions does not count toward it. Last evaluated 2025-01-21.

Conditions:
Lethal congenital contracture syndrome 7 (LCCS7). Identifiers: MedGen C4225386, MONDO:0014569, OMIM 616286.

Allele frequency attached by ClinVar (database versions not stated): ExAC 0.00001.
gnomAD v4.1: 5 of 1,613,938 alleles (0.00031%); highest among the groups gnomAD compares: Admixed American, 0.0033%; no homozygotes.

Submissions (3):

GeneDx
Classification: Uncertain significance. Last evaluated: 2025-01-21. Review status: criteria provided, single submitter. Criteria: GeneDx Variant Classification Process June 2021. Collection method: clinical testing. Allele origin: germline. Affected: yes.
Comment: Not observed at significant frequency in large population cohorts (gnomAD); In silico analysis supports that this missense variant has a deleterious effect on protein structure/function; In silico analysis supports a deleterious effect on splicing; This variant is associated with the following publications: (PMID: 34645488)

Mayo Clinic Laboratories, Mayo Clinic
Classification: Uncertain significance. Last evaluated: 2022-11-28. Review status: criteria provided, single submitter. Criteria: ACMG Guidelines, 2015. Collection method: clinical testing. Allele origin: germline. Observed: 1 variant allele.
Comment: PP3, PM2

Genomic Medicine Center of Excellence, King Faisal Specialist Hospital and Research Centre
Classification: Pathogenic for Lethal congenital contracture syndrome 7. Last evaluated: 2021-04-29. Review status: no assertion criteria provided. Collection method: research. Allele origin: germline. Affected: yes. Not counted in ClinVar's aggregate classification.

Literature cited by the submitters: PubMed 34645488 (cited by Mayo Clinic Laboratories, Mayo Clinic).